The following is an entry in ClinVar:

ClinVar aggregate classification (germline): Uncertain significance. Review status: criteria provided, multiple submitters, no conflicts (2 of 4 stars). 3 submissions from 3 submitters: Uncertain significance (3). Last evaluated 2026-05-24.

Conditions:
Alstrom syndrome (ALMS). Identifiers: Orphanet 64, MedGen C0268425, MONDO:0008763, OMIM 203800.
Cardiovascular phenotype. Identifiers: MedGen CN230736.

gnomAD v4.1: 4 of 1,603,028 alleles (0.00025%); highest among the groups gnomAD compares: South Asian, 0.0033%; no homozygotes.

Submissions (3):

Women's Health and Genetics/Laboratory Corporation of America, LabCorp
Classification: Uncertain significance. Last evaluated: 2026-05-24. Review status: criteria provided, single submitter. Criteria: LabCorp Variant Classification Summary - May 2015. Collection method: clinical testing. Allele origin: germline.

Labcorp Genetics (formerly Invitae), Labcorp
Classification: Uncertain significance for Alstrom syndrome. Last evaluated: 2024-04-07. Review status: criteria provided, single submitter. Criteria: Invitae Variant Classification Sherloc (09022015). Collection method: clinical testing. Allele origin: germline.
Comment: This sequence change replaces leucine, which is neutral and non-polar, with valine, which is neutral and non-polar, at codon 255 of the ALMS1 protein (p.Leu255Val). This variant is present in population databases (rs774576999, gnomAD 0.006%). This variant has not been reported in the literature in individuals affected with ALMS1-related conditions. ClinVar contains an entry for this variant (Variation ID: 2449588). Experimental studies and prediction algorithms are not available or were not evaluated, and the functional significance of this variant is currently unknown. In summary, the available evidence is currently insufficient to determine the role of this variant in disease. Therefore, it has been classified as a Variant of Uncertain Significance.

Ambry Genetics
Classification: Uncertain significance for Cardiovascular phenotype. Last evaluated: 2022-12-13. Review status: criteria provided, single submitter. Criteria: Ambry Variant Classification Scheme 2023. Collection method: clinical testing. Allele origin: germline.
Comment: The p.L255V variant (also known as c.763C>G), located in coding exon 4 of the ALMS1 gene, results from a C to G substitution at nucleotide position 763. The leucine at codon 255 is replaced by valine, an amino acid with highly similar properties. This amino acid position is highly conserved in available vertebrate species. In addition, the in silico prediction for this alteration is inconclusive. Since supporting evidence is limited at this time, the clinical significance of this alteration remains unclear.

NM_001378454.1(ALMS1):c.760C>G (p.Leu254Val)

Gene: ALMS1 (ALMS1 centrosome and basal body associated protein; plus strand). Cytogenetic location: 2p13.1.
Variant type: single nucleotide variant.
Coding change: c.760C>G on transcript NM_001378454.1 (MANE Select); coding-DNA position 760, C replaced by G.
Protein change: p.Leu254Val; replaces leucine 254 with valine.
Molecular consequence: missense variant.
Genome position (GRCh38, 1-based): chr2:73,422,970, C>G. VCF-style: chr2-73422970-C-G. GRCh37 (hg19) VCF-style: chr2-73650098-C-G.
Other names: c.763C>G, p.Leu255Val (NM_015120.4); short protein forms L254V, L255V.
Identifiers: ClinVar variation 2449588 (VCV002449588.5), dbSNP rs774576999, ClinGen allele CA1712947.